The following is an entry in ClinVar:

NM_014915.3(ANKRD26):c.415C>T (p.Pro139Ser)

Gene: ANKRD26 (ankyrin repeat domain containing 26; minus strand). Cytogenetic location: 10p12.1.
Variant type: single nucleotide variant.
Coding change: c.415C>T on transcript NM_014915.3 (MANE Select); coding-DNA position 415, C replaced by T.
Protein change: p.Pro139Ser; replaces proline 139 with serine.
Molecular consequence: missense variant.
Genome position (GRCh38, 1-based): chr10:27,093,465, G>A on the plus strand (C>T on the coding strand, the complement: ANKRD26 is on the minus strand). VCF-style: chr10-27093465-G-A. GRCh37 (hg19) VCF-style: chr10-27382394-G-A.
Other names: c.415C>T, p.Pro139Ser (NM_001256053.2); short protein forms P139S.
Identifiers: ClinVar variation 4104268 (VCV004104268.1).

ClinVar aggregate classification (germline): Uncertain significance (1 of 4 stars; one submission).

Conditions:
Inborn genetic diseases. Identifiers: MedGen C0950123, MeSH D030342.

Submission:

Ambry Genetics
Classification: Uncertain significance for Inborn genetic diseases. Last evaluated: 2025-08-20. Review status: criteria provided, single submitter. Criteria: Ambry Variant Classification Scheme 2023. Collection method: clinical testing. Allele origin: germline.
Comment: The p.P139S variant (also known as c.415C>T), located in coding exon 3 of the ANKRD26 gene, results from a C to T substitution at nucleotide position 415. The proline at codon 139 is replaced by serine, an amino acid with similar properties. This amino acid position is conserved. In addition, this alteration is predicted to be tolerated by in silico analysis. Based on the available evidence, the clinical significance of this variant remains unclear.